The following is an entry in ClinVar:

NM_002439.5(MSH3):c.2951A>G (p.His984Arg)

Gene: MSH3 (mutS homolog 3; plus strand). Cytogenetic location: 5q14.1.
Variant type: single nucleotide variant.
Coding change: c.2951A>G on transcript NM_002439.5 (MANE Select); coding-DNA position 2951, A replaced by G.
Protein change: p.His984Arg; replaces histidine 984 with arginine.
Molecular consequence: missense variant.
Genome position (GRCh38, 1-based): chr5:80,854,267, A>G. VCF-style: chr5-80854267-A-G. GRCh37 (hg19) VCF-style: chr5-80150086-A-G.
Other names: short protein forms H984R.
Identifiers: ClinVar variation 1798060 (VCV001798060.8), dbSNP rs2478771902, ClinGen allele CA360275758.

ClinVar aggregate classification (germline): Uncertain significance. Review status: criteria provided, multiple submitters, no conflicts (2 of 4 stars). 2 submissions from 2 submitters: Uncertain significance (2). Last evaluated 2025-03-29.

Conditions:
Hereditary cancer-predisposing syndrome. Also called: Neoplastic Syndromes, Hereditary; Tumor predisposition; Hereditary Cancer Syndrome; Hereditary neoplastic syndrome. Identifiers: Orphanet 140162, MedGen C0027672, MeSH D009386, MONDO:0015356.

gnomAD v4.1: 1 of 1,614,042 alleles (0.000062%); highest among the groups gnomAD compares: South Asian, 0.0011%; no homozygotes.

Submissions (2):

Ambry Genetics
Classification: Uncertain significance for Hereditary cancer-predisposing syndrome. Last evaluated: 2025-03-29. Review status: criteria provided, single submitter. Criteria: Ambry Variant Classification Scheme 2023. Collection method: clinical testing. Allele origin: germline.
Comment: The p.H984R variant (also known as c.2951A>G), located in coding exon 21 of the MSH3 gene, results from an A to G substitution at nucleotide position 2951. The histidine at codon 984 is replaced by arginine, an amino acid with highly similar properties. This amino acid position is conserved. In addition, the in silico prediction for this alteration is inconclusive. Since supporting evidence is limited at this time, the clinical significance of this alteration remains unclear.

Labcorp Genetics (formerly Invitae), Labcorp
Classification: Uncertain significance. Last evaluated: 2025-03-21. Review status: criteria provided, single submitter. Criteria: Invitae Variant Classification Sherloc (09022015). Collection method: clinical testing. Allele origin: germline.
Comment: This sequence change replaces histidine, which is basic and polar, with arginine, which is basic and polar, at codon 984 of the MSH3 protein (p.His984Arg). This variant is not present in population databases (gnomAD no frequency). This variant has not been reported in the literature in individuals affected with MSH3-related conditions. ClinVar contains an entry for this variant (Variation ID: 1798060). An algorithm developed to predict the effect of missense changes on protein structure and function (PolyPhen-2) suggests that this variant is likely to be disruptive. In summary, the available evidence is currently insufficient to determine the role of this variant in disease. Therefore, it has been classified as a Variant of Uncertain Significance.